The following is an entry in ClinVar:

NM_032043.3(BRIP1):c.33T>A (p.Gly11=)

Gene: BRIP1 (BRCA1 interacting DNA helicase 1; minus strand). Cytogenetic location: 17q23.2.
Variant type: single nucleotide variant.
Coding change: c.33T>A on transcript NM_032043.3 (MANE Select); coding-DNA position 33, T replaced by A.
Protein change: p.Gly11=; no amino-acid change (glycine 11 retained).
Molecular consequence: synonymous variant.
Genome position (GRCh38, 1-based): chr17:61,861,507, A>T on the plus strand (T>A on the coding strand, the complement: BRIP1 is on the minus strand). VCF-style: chr17-61861507-A-T. GRCh37 (hg19) VCF-style: chr17-59938868-A-T.
Identifiers: ClinVar variation 3378904 (VCV003378904.1).
Genomic context (GRCh38, chr17:61,861,507, plus strand): 5'-AGAATTCATCATAGCAAGCTGTGACGGGTAAGCTTTATAAGGAAAGTAAATCTTCACCCC[A>T]CCAATTGTATATTCAGACCACATTGAAGACATAGTGCTTTCCTGTTTATTTCAGATTCCT-3'
Protein context (NP_114432.2, residues 1-21): MSSMWSEYTI[Gly11=]GVKIYFPYKA

ClinVar aggregate classification (germline): Benign (1 of 4 stars; one submission).

Conditions:
Familial cancer of breast. Also called: hereditary breast carcinoma; Hereditary breast cancer; BREAST CANCER, FAMILIAL. Identifiers: Orphanet 227535, MedGen C0346153, MONDO:0016419, OMIM 114480. Disease mechanism: loss of function.

Submission:

Myriad Genetics, Inc.
Classification: Benign for Familial cancer of breast. Last evaluated: 2024-08-08. Review status: criteria provided, single submitter. Criteria: Myriad Autosomal Dominant, Autosomal Recessive and X-Linked Classification Criteria (2023). Collection method: clinical testing. Allele origin: unknown.
Comment: This variant is considered benign. This variant is a silent/synonymous amino acid change and it is not expected to impact splicing.